The following is an entry in ClinVar:

NM_001131005.2(MEF2C):c.-143+4144CCT[5]

Genes: MEF2C (myocyte enhancer factor 2C; minus strand), MEF2C-AS1 (MEF2C antisense RNA 1; plus strand). Cytogenetic location: 5q14.3.
Variant type: Microsatellite.
Coding change: c.-143+4144CCT[5] on transcript NM_001131005.2; five copies in a row of the 3-base unit CCT starting at c.-143+4144; the reference has seven copies in a row; two copies, 6 bases deleted.
Molecular consequence: intron variant. On other transcripts: non-coding transcript variant (3).
Genome position (GRCh38, 1-based): chr5:88,883,338-88,883,343, AGGAGG deleted on the plus strand (CCTCCT on the coding strand, the reverse complement: MEF2C is on the minus strand); deleting any 6 consecutive bases within chr5:88,883,338-88,883,360 gives the same sequence; the position shown is the placement nearest the transcript's 3' end. VCF-style (leftmost placement, unchanged base first): chr5-88883337-AAGGAGG-A. GRCh37 (hg19) VCF-style: chr5-88179154-AAGGAGG-A.
Other names: c.-140+4144CCT[5] (NM_001364329.2, NM_001364334.2); c.-143+4144CCT[5] (NM_001364330.2, NM_001193347.1); c.-143+1131CCT[5] (NM_001364345.2, NM_001364335.2).
Identifiers: ClinVar variation 2655583 (VCV002655583.22), dbSNP rs567979916, ClinGen allele CA561151552.

ClinVar aggregate classification (germline): Benign (1 of 4 stars; one submission).

Submission:

CeGaT Center for Human Genetics Tuebingen
Classification: Benign. Last evaluated: 2022-11-01. Review status: criteria provided, single submitter. Criteria: CeGaT Center For Human Genetics Tuebingen Variant Classification Criteria Version 2. Collection method: clinical testing. Allele origin: germline. Affected: yes. Observed: 2 variant alleles.
Comment: MEF2C: BS1, BS2